The following is an entry in ClinVar:

ClinVar aggregate classification (germline): Uncertain significance (1 of 4 stars; one submission).

Conditions:
KLHL7-related disorder. Also called: KLHL7-related condition; KLHL7-related disorders.

gnomAD v4.1: 7 of 1,613,844 alleles (0.00043%); highest among the groups gnomAD compares: East Asian, 0.011%; no homozygotes.

Submission:

PreventionGenetics, part of Exact Sciences
Classification: Uncertain significance for KLHL7-related condition. Last evaluated: 2024-11-15. Review status: criteria provided, single submitter. Criteria: ACMG Guidelines, 2015. Collection method: clinical testing. Allele origin: germline.
Comment: The KLHL7 c.619-8C>T variant is predicted to interfere with splicing. To our knowledge, this variant has not been reported in the literature. This variant is predicted to alter splicing based on available splicing prediction programs (SpliceAI, Jaganathan et al. 2019. PubMed ID: 30661751). However, the use of computer prediction programs is not equivalent to functional evidence. This variant is reported in 0.043% of alleles in individuals of East Asian descent in gnomAD. Although we suspect this variant may be pathogenic, at this time, the clinical significance of this variant is uncertain due to the absence of conclusive functional and genetic evidence.

NM_001031710.3(KLHL7):c.619-8C>T

Gene: KLHL7 (kelch like family member 7; plus strand). Cytogenetic location: 7p15.3.
Variant type: single nucleotide variant.
Coding change: c.619-8C>T on transcript NM_001031710.3 (MANE Select); 8 bases into the intron before coding-DNA position 619, C replaced by T.
Molecular consequence: intron variant.
Genome position (GRCh38, 1-based): chr7:23,143,843, C>T. VCF-style: chr7-23143843-C-T. GRCh37 (hg19) VCF-style: chr7-23183462-C-T.
Other names: c.475-8C>T (NM_018846.5).
Identifiers: ClinVar variation 4990766 (VCV004990766.1).